The following is an entry in ClinVar:

NM_022474.4(PALS1):c.1636A>T (p.Ile546Phe)

Genes: GPHN (gephyrin; plus strand), PALS1 (protein associated with LIN7 1, MAGUK p55 family member; plus strand). Cytogenetic location: 14q23.3.
Variant type: single nucleotide variant.
Coding change: c.1636A>T on transcript NM_022474.4 (MANE Select); coding-DNA position 1636, A replaced by T.
Protein change: p.Ile546Phe; replaces isoleucine 546 with phenylalanine.
Molecular consequence: missense variant.
Genome position (GRCh38, 1-based): chr14:67,321,155, A>T. VCF-style: chr14-67321155-A-T. GRCh37 (hg19) VCF-style: chr14-67787872-A-T.
Other names: c.1534A>T, p.Ile512Phe (NM_001256550.2); short protein forms I512F, I546F.
Identifiers: ClinVar variation 2722807 (VCV002722807.2), dbSNP rs778729300, ClinGen allele CA7235092.

ClinVar aggregate classification (germline): Uncertain significance (1 of 4 stars; one submission).

Allele frequency attached by ClinVar (database versions not stated): gnomAD exomes below 0.00001; gnomAD 0.00001; TOPMed 0.00001; ExAC 0.00002.
gnomAD v4.1: 10 of 1,614,222 alleles (0.00062%); highest among the groups gnomAD compares: Admixed American, 0.0033%; no homozygotes.

Submission:

Labcorp Genetics (formerly Invitae), Labcorp
Classification: Uncertain significance. Last evaluated: 2023-08-18. Review status: criteria provided, single submitter. Criteria: Invitae Variant Classification Sherloc (09022015). Collection method: clinical testing. Allele origin: germline.
Comment: In summary, the available evidence is currently insufficient to determine the role of this variant in disease. Therefore, it has been classified as a Variant of Uncertain Significance. An algorithm developed to predict the effect of missense changes on protein structure and function (PolyPhen-2) suggests that this variant is likely to be disruptive. This variant has not been reported in the literature in individuals affected with PALS1-related conditions. This variant is present in population databases (rs778729300, gnomAD 0.005%). This sequence change replaces isoleucine, which is neutral and non-polar, with phenylalanine, which is neutral and non-polar, at codon 546 of the PALS1 protein (p.Ile546Phe).